The following is an entry in ClinVar:

ClinVar aggregate classification (germline): Uncertain significance (1 of 4 stars; one submission).

Submission:

Dasa
Classification: Uncertain significance. Last evaluated: 2024-08-06. Review status: criteria provided, single submitter. Criteria: DASA Assertion Criteria. Collection method: clinical testing. Allele origin: germline.
Comment: NM_002335.4(LRP5):c.3193G>C (p.Asp1065His) is a missense variant that results in the substitution of aspartic acid with histidine. This variant is absent from population databases. The currently available literature and clinical evidence are not sufficient to establish a definitive association between this variant and the reported condition. Therefore, this variant is classified as a variant of uncertain significance.

NM_002335.4(LRP5):c.3193G>C (p.Asp1065His)

Gene: LRP5 (LDL receptor related protein 5; plus strand). Cytogenetic location: 11q13.2.
Variant type: single nucleotide variant.
Coding change: c.3193G>C on transcript NM_002335.4 (MANE Select); coding-DNA position 3193, G replaced by C.
Protein change: p.Asp1065His; replaces aspartic acid 1065 with histidine.
Molecular consequence: missense variant.
Genome position (GRCh38, 1-based): chr11:68,423,654, G>C. VCF-style: chr11-68423654-G-C. GRCh37 (hg19) VCF-style: chr11-68191122-G-C.
Other names: c.1450G>C, p.Asp484His (NM_001291902.2); short protein forms D1065H, D484H.
Identifiers: ClinVar variation 4885685 (VCV004885685.2).